The following is an entry in ClinVar:

ClinVar aggregate classification (germline): Uncertain significance. Review status: criteria provided, multiple submitters, no conflicts (2 of 4 stars). 3 submissions from 3 submitters: Uncertain significance (3). Last evaluated 2024-07-04.

Conditions:
Jeune thoracic dystrophy. Also called: Jeune syndrome; Infantile thoracic dystrophy; Thoracic pelvic phalangeal dystrophy; Jeune's syndrome; Chondroectodermal dysplasia-like syndrome; Short-rib thoracic dysplasia. Identifiers: Orphanet 474, MedGen C0265275, MONDO:0018770.
Inborn genetic diseases. Identifiers: MedGen C0950123, MeSH D030342.

Allele frequency attached by ClinVar (database versions not stated): gnomAD 0.00002 and 0.00003; TOPMed 0.00002.
gnomAD v4.1: 28 of 1,551,572 alleles (0.0018%); highest among the groups gnomAD compares: East Asian, 0.022%; no homozygotes.

Submissions (3):

Labcorp Genetics (formerly Invitae), Labcorp
Classification: Uncertain significance for Jeune thoracic dystrophy. Last evaluated: 2024-07-04. Review status: criteria provided, single submitter. Criteria: Invitae Variant Classification Sherloc (09022015). Collection method: clinical testing. Allele origin: germline.
Comment: This sequence change replaces lysine, which is basic and polar, with arginine, which is basic and polar, at codon 2613 of the DYNC2H1 protein (p.Lys2613Arg). This variant is present in population databases (rs778285080, gnomAD 0.02%). This variant has not been reported in the literature in individuals affected with DYNC2H1-related conditions. ClinVar contains an entry for this variant (Variation ID: 1471196). An algorithm developed to predict the effect of missense changes on protein structure and function (PolyPhen-2) suggests that this variant¬†is likely to be tolerated. Algorithms developed to predict the effect of sequence changes on RNA splicing suggest that this variant may disrupt the consensus splice site. In summary, the available evidence is currently insufficient to determine the role of this variant in disease. Therefore, it has been classified as a Variant of Uncertain Significance.

Ambry Genetics
Classification: Uncertain significance for Inborn genetic diseases. Last evaluated: 2021-12-15. Review status: criteria provided, single submitter. Criteria: Ambry Variant Classification Scheme 2023. Collection method: clinical testing. Allele origin: germline.

Breakthrough Genomics
Classification: Uncertain significance. Review status: criteria provided, single submitter. Criteria: ACMG Guidelines, 2015. Collection method: not provided. Allele origin: germline. Inheritance: Autosomal recessive inheritance. Affected: yes.

NM_001377.3(DYNC2H1):c.7838A>G (p.Lys2613Arg)

Gene: DYNC2H1 (dynein cytoplasmic 2 heavy chain 1; plus strand). Cytogenetic location: 11q22.3.
Variant type: single nucleotide variant.
Coding change: c.7838A>G on transcript NM_001377.3 (MANE Select); coding-DNA position 7838, A replaced by G.
Protein change: p.Lys2613Arg; replaces lysine 2613 with arginine.
Molecular consequence: missense variant.
Genome position (GRCh38, 1-based): chr11:103,198,062, A>G. VCF-style: chr11-103198062-A-G. GRCh37 (hg19) VCF-style: chr11-103068791-A-G.
Other names: c.7838A>G (NM_001080463.1); c.7838A>G, p.Lys2613Arg (NM_001080463.2); short protein forms K2613R.
Identifiers: ClinVar variation 1471196 (VCV001471196.6), dbSNP rs778285080, ClinGen allele CA6254336.
Genomic context (GRCh38, chr11:103,198,062, plus strand): 5'-CTCCACATGGAAAACCACTTGGAAAACTAAACTCTACTGATCTCAAGGATGTTATTAAAA[A>G]GGTATAATATGAATCATTAATTGGAACTGGGATTTGGTCATTATAGTCTTTTAAAAATAT-3'
Protein context (NP_001368.2, residues 2603-2623): NSTDLKDVIK[Lys2613Arg]GLIHYGRDNQ